The following is an entry in ClinVar:

ClinVar aggregate classification (germline): Uncertain significance. Review status: criteria provided, multiple submitters, no conflicts (2 of 4 stars). 2 submissions from 2 submitters: Uncertain significance (2). Last evaluated 2024-03-06.

Conditions:
Karyomegalic interstitial nephritis. Identifiers: Orphanet 401996, MedGen C3553774, MONDO:0013898, OMIM 614817.

Allele frequency attached by ClinVar (database versions not stated): TOPMed below 0.00001; gnomAD exomes 0.00001; ExAC 0.00002.

Submissions (2):

Labcorp Genetics (formerly Invitae), Labcorp
Classification: Uncertain significance. Last evaluated: 2024-03-06. Review status: criteria provided, single submitter. Criteria: Invitae Variant Classification Sherloc (09022015). Collection method: clinical testing. Allele origin: germline.
Comment: This sequence change replaces tyrosine, which is neutral and polar, with histidine, which is basic and polar, at codon 418 of the FAN1 protein (p.Tyr418His). This variant is present in population databases (rs751970854, gnomAD 0.003%). This variant has not been reported in the literature in individuals affected with FAN1-related conditions. ClinVar contains an entry for this variant (Variation ID: 2198122). An algorithm developed to predict the effect of missense changes on protein structure and function (PolyPhen-2) suggests that this variant is likely to be disruptive. In summary, the available evidence is currently insufficient to determine the role of this variant in disease. Therefore, it has been classified as a Variant of Uncertain Significance.

Fulgent Genetics
Classification: Uncertain significance for Karyomegalic interstitial nephritis. Last evaluated: 2024-02-12. Review status: criteria provided, single submitter. Criteria: ACMG Guidelines, 2015. Collection method: clinical testing. Allele origin: germline.

NM_014967.5(FAN1):c.1252T>C (p.Tyr418His)

Gene: FAN1 (FANCD2 and FANCI associated nuclease 1; plus strand). Cytogenetic location: 15q13.3.
Variant type: single nucleotide variant.
Coding change: c.1252T>C on transcript NM_014967.5 (MANE Select); coding-DNA position 1252, T replaced by C.
Protein change: p.Tyr418His; replaces tyrosine 418 with histidine.
Molecular consequence: missense variant.
Genome position (GRCh38, 1-based): chr15:30,908,135, T>C. VCF-style: chr15-30908135-T-C. GRCh37 (hg19) VCF-style: chr15-31200338-T-C.
Other names: c.1252T>C, p.Tyr418His (NM_001146094.2, NM_001146095.1, NM_001146096.2); short protein forms Y418H.
Identifiers: ClinVar variation 2198122 (VCV002198122.5), dbSNP rs751970854, ClinGen allele CA7450248.